The following is an entry in ClinVar:

ClinVar aggregate classification (germline): Benign/Likely benign. Review status: criteria provided, multiple submitters, no conflicts (2 of 4 stars). 2 submissions from 2 submitters: Benign (1); Likely benign (1). Last evaluated 2026-03-01.

Conditions:
Luscan-Lumish syndrome. Identifiers: Orphanet 597738, MedGen C4085873, MONDO:0014791, OMIM 616831.

Allele frequency attached by ClinVar (database versions not stated): gnomAD exomes below 0.00001; TOPMed below 0.00001.
gnomAD v4.1: 2 of 1,614,016 alleles (0.00012%); highest among the groups gnomAD compares: Admixed American, 0.0033%; no homozygotes.

Submissions (2):

CeGaT Center for Human Genetics Tuebingen
Classification: Likely benign. Last evaluated: 2026-03-01. Review status: criteria provided, single submitter. Criteria: CeGaT Center For Human Genetics Tuebingen Variant Classification Criteria Version 2. Collection method: clinical testing. Allele origin: germline. Affected: yes. Observed: 1 variant allele.
Comment: SETD2: BP4

Labcorp Genetics (formerly Invitae), Labcorp
Classification: Benign for Luscan-Lumish syndrome. Last evaluated: 2022-02-04. Review status: criteria provided, single submitter. Criteria: Invitae Variant Classification Sherloc (09022015). Collection method: clinical testing. Allele origin: germline.

NM_014159.7(SETD2):c.2956G>A (p.Glu986Lys)

Gene: SETD2 (SET domain containing 2, histone lysine methyltransferase; minus strand). Cytogenetic location: 3p21.31.
Variant type: single nucleotide variant.
Coding change: c.2956G>A on transcript NM_014159.7 (MANE Select); coding-DNA position 2956, G replaced by A.
Protein change: p.Glu986Lys; replaces glutamic acid 986 with lysine.
Molecular consequence: missense variant. On other transcripts: non-coding transcript variant (1).
Genome position (GRCh38, 1-based): chr3:47,121,680, C>T on the plus strand (G>A on the coding strand, the complement: SETD2 is on the minus strand). VCF-style: chr3-47121680-C-T. GRCh37 (hg19) VCF-style: chr3-47163170-C-T.
Other names: c.2824G>A, p.Glu942Lys (NM_001349370.3); short protein forms E942K, E986K.
Identifiers: ClinVar variation 662538 (VCV000662538.11), dbSNP rs1559744630, ClinGen allele CA352524368.